The following is an entry in ClinVar:

ClinVar aggregate classification (germline): Uncertain significance (1 of 4 stars; one submission).

Conditions:
Familial cancer of breast. Also called: Hereditary breast cancer; BREAST CANCER, FAMILIAL; hereditary breast carcinoma. Identifiers: Orphanet 227535, MedGen C0346153, MONDO:0016419, OMIM 114480. Disease mechanism: loss of function.

Submission:

Labcorp Genetics (formerly Invitae), Labcorp
Classification: Uncertain significance for Familial cancer of breast. Last evaluated: 2023-09-27. Review status: criteria provided, single submitter. Criteria: Invitae Variant Classification Sherloc (09022015). Collection method: clinical testing. Allele origin: germline.
Comment: In summary, the available evidence is currently insufficient to determine the role of this variant in disease. Therefore, it has been classified as a Variant of Uncertain Significance. Advanced modeling of protein sequence and biophysical properties (such as structural, functional, and spatial information, amino acid conservation, physicochemical variation, residue mobility, and thermodynamic stability) performed at Invitae indicates that this missense variant is not expected to disrupt PALB2 protein function. ClinVar contains an entry for this variant (Variation ID: 216747). This variant has not been reported in the literature in individuals affected with PALB2-related conditions. This variant is not present in population databases (gnomAD no frequency). This sequence change replaces aspartic acid, which is acidic and polar, with glycine, which is neutral and non-polar, at codon 848 of the PALB2 protein (p.Asp848Gly).

NM_024675.4(PALB2):c.2543A>G (p.Asp848Gly)

Gene: PALB2 (partner and localizer of BRCA2; minus strand). Cytogenetic location: 16p12.2.
Variant type: single nucleotide variant.
Coding change: c.2543A>G on transcript NM_024675.4 (MANE Select); coding-DNA position 2543, A replaced by G.
Protein change: p.Asp848Gly; replaces aspartic acid 848 with glycine.
Molecular consequence: missense variant.
Genome position (GRCh38, 1-based): chr16:23,629,247, T>C on the plus strand (A>G on the coding strand, the complement: PALB2 is on the minus strand). VCF-style: chr16-23629247-T-C. GRCh37 (hg19) VCF-style: chr16-23640568-T-C.
Other names: short protein forms D848G.
Identifiers: ClinVar variation 216747 (VCV000216747.9), dbSNP rs762129437, ClinGen allele CA337389.
Genomic context (GRCh38, chr16:23,629,247, plus strand): 5'-GAGAATATTCTTCTGACCTTTAACTCTGAAACCAATTGTAGGTTGCCTGGGTTTATGCTA[T>C]CAGAAGCAGGAAGCTCTGCTGTTTCAGTCTGTGAAAACAAAAGTCACATCATTAGTCTAC-3'
Protein context (NP_078951.2, residues 838-858): QTETAELPAS[Asp848Gly]SINPGNLQLV